The following is an entry in ClinVar:

NM_033026.6(PCLO):c.6096C>A (p.Ser2032Arg)

Gene: PCLO (piccolo presynaptic cytomatrix protein; minus strand). Cytogenetic location: 7q21.11.
Variant type: single nucleotide variant.
Coding change: c.6096C>A on transcript NM_033026.6 (MANE Select); coding-DNA position 6096, C replaced by A.
Protein change: p.Ser2032Arg; replaces serine 2032 with arginine.
Molecular consequence: missense variant.
Genome position (GRCh38, 1-based): chr7:82,954,857, G>T on the plus strand (C>A on the coding strand, the complement: PCLO is on the minus strand). VCF-style: chr7-82954857-G-T. GRCh37 (hg19) VCF-style: chr7-82584173-G-T.
Other names: c.6096C>A, p.Ser2032Arg (NM_014510.3); short protein forms S2032R.
Identifiers: ClinVar variation 1989906 (VCV001989906.1), dbSNP rs766588221, ClinGen allele CA4320532.

ClinVar aggregate classification (germline): Uncertain significance (1 of 4 stars; one submission).

Allele frequency attached by ClinVar (database versions not stated): gnomAD 0.00002; gnomAD exomes 0.00002; ExAC 0.00002; TOPMed 0.00003.
gnomAD v4.1: 34 of 1,613,744 alleles (0.0021%); highest among the groups gnomAD compares: Non-Finnish European, 0.0028%; no homozygotes.

Submission:

Labcorp Genetics (formerly Invitae), Labcorp
Classification: Uncertain significance. Last evaluated: 2022-06-10. Review status: criteria provided, single submitter. Criteria: Invitae Variant Classification Sherloc (09022015). Collection method: clinical testing. Allele origin: germline.
Comment: This sequence change replaces serine, which is neutral and polar, with arginine, which is basic and polar, at codon 2032 of the PCLO protein (p.Ser2032Arg). This variant is present in population databases (rs766588221, gnomAD 0.004%). This variant has not been reported in the literature in individuals affected with PCLO-related conditions. Algorithms developed to predict the effect of missense changes on protein structure and function are either unavailable or do not agree on the potential impact of this missense change (SIFT: "Deleterious"; PolyPhen-2: "Not Available"; Align-GVGD: "Class C0"). In summary, the available evidence is currently insufficient to determine the role of this variant in disease. Therefore, it has been classified as a Variant of Uncertain Significance.